The following is an entry in ClinVar:

ClinVar aggregate classification (germline): Pathogenic (1 of 4 stars; one submission).

Conditions:
Geleophysic dysplasia 2 (GPHYSD2). Identifiers: Orphanet 2623, MedGen C3280054, MONDO:0013612, OMIM 614185.
Ectopia lentis 1, isolated, autosomal dominant (ECTOL1). Identifiers: Orphanet 1885, MedGen C3541518, MONDO:0007514, OMIM 129600.
Stiff skin syndrome (SSKS). Identifiers: Orphanet 2833, MedGen C1861456, MONDO:0008492, OMIM 184900.
Marfan syndrome (MFS). Also called: MARFAN SYNDROME, TYPE I; Marfan syndrome type 1; Marfan's syndrome; Marfan syndrome, classic; FBN1-Related Marfan Syndrome. Identifiers: Orphanet 284963, Orphanet 558, MedGen C0024796, MONDO:0007947, OMIM 154700.
Acromicric dysplasia (ACMICD). Also called: Acromicric skeletal dysplasia. Identifiers: Orphanet 969, MedGen C0265287, MONDO:0007055, OMIM 102370.
Progeroid and marfanoid aspect-lipodystrophy syndrome. Also called: MARFANOID-PROGEROID SYNDROME; MARFAN-PROGEROID-LIPODYSTROPHY SYNDROME; Marfan lipodystrophy syndrome; MARFANOID-PROGEROID-LIPODYSTROPHY SYNDROME. Identifiers: Orphanet 300382, MedGen C4310796, MONDO:0014831, OMIM 616914.
MASS syndrome (OCTD). Also called: MASS PHENOTYPE; OVERLAP CONNECTIVE TISSUE DISEASE. Identifiers: MedGen C1858556, MONDO:0011431, OMIM 604308.
Weill-Marchesani syndrome 2, dominant. Also called: Weill-Marchesani Syndrome, Autosomal Dominant; FBN1-Related Weill-Marchesani Syndrome. Identifiers: Orphanet 2084, MedGen C1869115, MONDO:0012013, OMIM 608328.

Submission:

Juno Genomics, Hangzhou Juno Genomics, Inc
Classification: Pathogenic for Stiff skin syndrome; Weill-Marchesani syndrome 2, dominant; Acromicric dysplasia; Ectopia lentis 1, isolated, autosomal dominant; Geleophysic dysplasia 2; Progeroid and marfanoid aspect-lipodystrophy syndrome; Marfan syndrome; MASS syndrome. Review status: criteria provided, single submitter. Criteria: ACMG Guidelines, 2015. Collection method: clinical testing. Allele origin: germline. Affected: yes.
Comment: Absent from controls (or at extremely low frequency if recessive) in Genome Aggregation Database, Exome Sequencing Project, 1000 Genomes Project, or Exome Aggregation Consortium.;Null variant in a gene where loss of function (LOF) is a known mechanism of disease.;Patient's phenotype or family history is highly specific for a disease with a single genetic etiology.

NM_000138.5(FBN1):c.5336dup (p.Asn1779fs)

Gene: FBN1 (fibrillin 1; minus strand). Cytogenetic location: 15q21.1.
Variant type: Duplication.
Coding change: c.5336dup on transcript NM_000138.5 (MANE Select); coding-DNA position 5336, one base duplicated (A; older notation c.5336dupA).
Protein change: p.Asn1779fs; shifts the reading frame from asparagine 1779.
Molecular consequence: frameshift variant.
Genome position (GRCh38, 1-based): chr15:48,456,723, T duplicated on the plus strand (A on the coding strand, the reverse complement: FBN1 is on the minus strand); the first of 4 consecutive T bases (chr15:48,456,723-48,456,726); duplicating any one gives the same sequence. VCF-style (leftmost placement, unchanged base first): chr15-48456722-A-AT. GRCh37 (hg19) VCF-style: chr15-48748919-A-AT.
Other names: c.5336dup, p.Asn1779fs (NM_001406716.1); short protein forms N1779fs.
Identifiers: ClinVar variation 4531277 (VCV004531277.1).
Genomic context (GRCh38, chr15:48,456,722, plus strand): 5'-ATAGAAGAATCCCACTGGACATTCACATCGGAAGCTGCCAACCATGTTGATACACACTCC[A>AT]TTTTCACAGACCCCTGGGATCTCCCGGCACTCATCAATATCTAGAGACAGAGTAGTCATT-3'